The following is an entry in ClinVar:

NM_182914.3(SYNE2):c.13613T>A (p.Leu4538Gln)

Gene: SYNE2 (spectrin repeat containing nuclear envelope protein 2; plus strand). Cytogenetic location: 14q23.2.
Variant type: single nucleotide variant.
Coding change: c.13613T>A on transcript NM_182914.3 (MANE Select); coding-DNA position 13613, T replaced by A.
Protein change: p.Leu4538Gln; replaces leucine 4538 with glutamine.
Molecular consequence: missense variant.
Genome position (GRCh38, 1-based): chr14:64,126,385, T>A. VCF-style: chr14-64126385-T-A. GRCh37 (hg19) VCF-style: chr14-64593103-T-A.
Other names: c.13613T>A, p.Leu4538Gln (NM_015180.6); short protein forms L4538Q.
Identifiers: ClinVar variation 1466060 (VCV001466060.6), dbSNP rs370464923, ClinGen allele CA7222510.
Genomic context (GRCh38, chr14:64,126,385, plus strand): 5'-AGGAAAATATGACAGAAGAAGCATATATCAATTTGGATAAAAAATTGTTTGAACTATTCC[T>A]GACCCTCAGTCAGTGCCTCAGCAGTGTGGAGGAGATGCTGGAGATGCCCAGACTTTACAG-3'
Protein context (NP_878918.2, residues 4528-4548): NLDKKLFELF[Leu4538Gln]TLSQCLSSVE

ClinVar aggregate classification (germline): Uncertain significance (1 of 4 stars; one submission).

Conditions:
Emery-Dreifuss muscular dystrophy 5, autosomal dominant (EDMD5). Also called: EMERY-DREIFUSS MUSCULAR DYSTROPHY 5. Identifiers: Orphanet 261, MedGen C2751805, MONDO:0013072, OMIM 612999.

Allele frequency attached by ClinVar (database versions not stated): gnomAD exomes below 0.00001; ExAC 0.00001; gnomAD 0.00001; TOPMed 0.00002; ESP Exome Variant Server 0.00008.
gnomAD v4.1: 3 of 1,614,082 alleles (0.00019%); highest among the groups gnomAD compares: Non-Finnish European, 0.00025%; no homozygotes.

Submission:

Labcorp Genetics (formerly Invitae), Labcorp
Classification: Uncertain significance for Emery-Dreifuss muscular dystrophy 5, autosomal dominant. Last evaluated: 2021-11-07. Review status: criteria provided, single submitter. Criteria: Invitae Variant Classification Sherloc (09022015). Collection method: clinical testing. Allele origin: germline.
Comment: This sequence change replaces leucine, which is neutral and non-polar, with glutamine, which is neutral and polar, at codon 4538 of the SYNE2 protein (p.Leu4538Gln). In summary, the available evidence is currently insufficient to determine the role of this variant in disease. Therefore, it has been classified as a Variant of Uncertain Significance. Algorithms developed to predict the effect of sequence changes on RNA splicing suggest that this variant may create or strengthen a splice site. Algorithms developed to predict the effect of missense changes on protein structure and function output the following: SIFT: "Tolerated"; PolyPhen-2: "Benign"; Align-GVGD: "Class C0". The glutamine amino acid residue is found in multiple mammalian species, which suggests that this missense change does not adversely affect protein function. This variant has not been reported in the literature in individuals affected with SYNE2-related conditions. This variant is present in population databases (rs370464923, gnomAD 0.002%).